The following is an entry in ClinVar:

ClinVar aggregate classification (germline): Pathogenic/Likely pathogenic. Review status: criteria provided, multiple submitters, no conflicts (2 of 4 stars). 2 submissions from 2 submitters: Pathogenic (1); Likely pathogenic (1). Last evaluated 2022-08-29.

Conditions:
Acid sphingomyelinase deficiency. Identifiers: Orphanet 618899, MedGen C5243927, MONDO:0100464.
Niemann-Pick disease, type B. Also called: Chronic Visceral ASMD (Niemann-Pick Disease Type B; NPD-B). Identifiers: Orphanet 77293, MedGen C0268243, MONDO:0011871, OMIM 607616. Disease mechanism: loss of function.
Niemann-Pick disease, type A. Also called: Infantile Neurovisceral ASMD (Niemann-Pick Disease Type A; NPD-A); SPHINGOMYELIN LIPIDOSIS; SPHINGOMYELINASE DEFICIENCY. Identifiers: Orphanet 77292, MedGen C0268242, MONDO:0009756, OMIM 257200. Disease mechanism: loss of function.

Submissions (2):

Labcorp Genetics (formerly Invitae), Labcorp
Classification: Pathogenic for Niemann-Pick disease, type B; Niemann-Pick disease, type A. Last evaluated: 2022-08-29. Review status: criteria provided, single submitter. Criteria: Invitae Variant Classification Sherloc (09022015). Collection method: clinical testing. Allele origin: germline.
Comment: For these reasons, this variant has been classified as Pathogenic. This variant has not been reported in the literature in individuals affected with SMPD1-related conditions. This variant is not present in population databases (gnomAD no frequency). This sequence change creates a premature translational stop signal (p.Pro373Hisfs*12) in the SMPD1 gene. It is expected to result in an absent or disrupted protein product. Loss-of-function variants in SMPD1 are known to be pathogenic (PMID: 12369017, 15221801).

Myriad Genetics, Inc.
Classification: Likely pathogenic for Acid sphingomyelinase deficiency. Last evaluated: 2022-01-02. Review status: criteria provided, single submitter. Criteria: Myriad Autosomal Dominant, Autosomal Recessive and X-Linked Classification Criteria (2023). Collection method: clinical testing. Allele origin: unknown.
Comment: NM_000543.4(SMPD1):c.1118delC(P373Hfs*12) is expected to be pathogenic in the context of Niemann-Pick disease, SMPD1-related. This variant is predicted to lead to an abnormal or absent protein product due to the creation of a premature termination codon in SMPD1, a gene where loss-of-function variants are known to be pathogenic. Please note: this variant was assessed in the context of healthy population screening.

Literature cited by the submitters: PubMed 12369017 (cited by Labcorp Genetics (formerly Invitae), Labcorp); PubMed 15221801 (cited by Labcorp Genetics (formerly Invitae), Labcorp).

NM_000543.5(SMPD1):c.1118del (p.Pro373fs)

Gene: SMPD1 (sphingomyelin phosphodiesterase 1; plus strand). Cytogenetic location: 11p15.4.
Variant type: Deletion.
Coding change: c.1118del on transcript NM_000543.5 (MANE Select); coding-DNA position 1118, one base deleted (C; older notation c.1118delC).
Protein change: p.Pro373fs; shifts the reading frame from proline 373.
Molecular consequence: frameshift variant. On other transcripts: non-coding transcript variant (1), intron variant (1).
Genome position (GRCh38, 1-based): chr11:6,393,242, C deleted; the last of 4 consecutive C bases (chr11:6,393,239-6,393,242); deleting any one gives the same sequence. VCF-style (leftmost placement, unchanged base first): chr11-6393238-TC-T. GRCh37 (hg19) VCF-style: chr11-6414468-TC-T.
Other names: c.1115del, p.Pro372fs (NM_001007593.3); c.1118del, p.Pro373fs (NM_001318087.2); c.197del, p.Pro66fs (NM_001318088.2); c.1132-375del (NM_001365135.2); short protein forms P372fs, P373fs, P66fs.
Identifiers: ClinVar variation 1726939 (VCV001726939.8), dbSNP rs2493813577, ClinGen allele CA2580083930.